The following is an entry in ClinVar:

ClinVar aggregate classification (germline): Pathogenic (1 of 4 stars; one submission).

Conditions:
BAP1-related tumor predisposition syndrome (TPDS1). Also called: COMMON Syndrome; TUMOR PREDISPOSITION SYNDROME 1; BAP1 tumor predisposition syndrome; Tumor susceptibility linked to germline BAP1 mutations. Identifiers: Orphanet 289539, MedGen C3280492, MONDO:0013692, OMIM 614327.

Submission:

Labcorp Genetics (formerly Invitae), Labcorp
Classification: Pathogenic for BAP1-related tumor predisposition syndrome. Last evaluated: 2022-04-16. Review status: criteria provided, single submitter. Criteria: Invitae Variant Classification Sherloc (09022015). Collection method: clinical testing. Allele origin: germline.
Comment: For these reasons, this variant has been classified as Pathogenic. Algorithms developed to predict the effect of sequence changes on RNA splicing suggest that this variant may disrupt the consensus splice site. This variant has not been reported in the literature in individuals affected with BAP1-related conditions. This variant is not present in population databases (gnomAD no frequency). This sequence change creates a premature translational stop signal (p.Ser369*) in the BAP1 gene. It is expected to result in an absent or disrupted protein product. Loss-of-function variants in BAP1 are known to be pathogenic (PMID: 21874000, 23684012).

Literature cited by the submitters: PubMed 21874000; PubMed 23684012.

NM_004656.4(BAP1):c.1106_1116del (p.Lys368_Ser369insTer)

Gene: BAP1 (BRCA1 associated deubiquitinase 1; minus strand). Cytogenetic location: 3p21.1.
Variant type: Deletion.
Coding change: c.1106_1116del on transcript NM_004656.4 (MANE Select); coding-DNA positions 1106 to 1116, 11 bases deleted (CCCCCATGCAG).
Protein change: p.Lys368_Ser369insTer.
Molecular consequence: nonsense. On other transcripts: frameshift variant (1).
Genome position (GRCh38, 1-based): chr3:52,405,110-52,405,120, CTGCATGGGGG deleted on the plus strand (CCCCCATGCAG on the coding strand, the reverse complement: BAP1 is on the minus strand). VCF-style (leftmost placement, unchanged base first): chr3-52405109-CCTGCATGGGGG-C. GRCh37 (hg19) VCF-style: chr3-52439125-CCTGCATGGGGG-C.
Other names: c.1052_1062delCCCCCATGCAG, p.Ser351Terfs (NM_001410772.1).
Identifiers: ClinVar variation 2127084 (VCV002127084.4), dbSNP rs2471335526, ClinGen allele CA2580070259.